The following is an entry in ClinVar:

ClinVar aggregate classification (germline): Uncertain significance (1 of 4 stars; one submission).

Allele frequency attached by ClinVar (database versions not stated): gnomAD exomes below 0.00001.
gnomAD v4.1: 1 of 1,613,426 alleles (0.000062%); highest among the groups gnomAD compares: African/African-American, 0.0013%; no homozygotes.

Submission:

Labcorp Genetics (formerly Invitae), Labcorp
Classification: Uncertain significance. Last evaluated: 2018-04-02. Review status: criteria provided, single submitter. Criteria: Invitae Variant Classification Sherloc (09022015). Collection method: clinical testing. Allele origin: germline.
Comment: This sequence change replaces proline with leucine at codon 980 of the A2ML1 protein (p.Pro980Leu). The proline residue is highly conserved and there is a moderate physicochemical difference between proline and leucine. This variant is not present in population databases (ExAC no frequency). This variant has not been reported in the literature in individuals with A2ML1-related disease. Algorithms developed to predict the effect of missense changes on protein structure and function do not agree on the potential impact of this missense change (SIFT: "Deleterious"; PolyPhen-2: "Possibly Damaging"; Align-GVGD: "Class C0"). In summary, the available evidence is currently insufficient to determine the role of this variant in disease. Therefore, it has been classified as a Variant of Uncertain Significance.

NM_144670.6(A2ML1):c.2939C>T (p.Pro980Leu)

Gene: A2ML1 (alpha-2-macroglobulin like 1; plus strand). Cytogenetic location: 12p13.31.
Variant type: single nucleotide variant.
Coding change: c.2939C>T on transcript NM_144670.6 (MANE Select); coding-DNA position 2939, C replaced by T.
Protein change: p.Pro980Leu; replaces proline 980 with leucine.
Molecular consequence: missense variant.
Genome position (GRCh38, 1-based): chr12:8,857,254, C>T. VCF-style: chr12-8857254-C-T. GRCh37 (hg19) VCF-style: chr12-9009850-C-T.
Other names: c.1466C>T, p.Pro489Leu (NM_001282424.3); short protein forms P489L, P980L.
Identifiers: ClinVar variation 1024090 (VCV001024090.8), dbSNP rs1944098763, ClinGen allele CA383836256.
Genomic context (GRCh38, chr12:8,857,254, plus strand): 5'-TGGATGGTCTGGTGCAGATGCCCAGTGGCTGTGGCGAGCAGAACATGGTCTTGTTTGCTC[C>T]CATCATCTATGTCTTGCAGTACCTGGAGAAGGCAGGGCTGCTGACGGAGGAGATCAGGTC-3'
Protein context (NP_653271.3, residues 970-990): CGEQNMVLFA[Pro980Leu]IIYVLQYLEK